The following is an entry in ClinVar:

ClinVar aggregate classification (germline): Uncertain significance. Review status: criteria provided, multiple submitters, no conflicts (2 of 4 stars). 2 submissions from 2 submitters: Uncertain significance (2). Last evaluated 2022-07-19.

Conditions:
Ornithine aminotransferase deficiency (GACR). Also called: HYPERORNITHINEMIA WITH GYRATE ATROPHY OF CHOROID AND RETINA; Ornithine ketoacid aminotransferase deficiency; Gyrate atrophy; Gyrate atrophy of choroid and retina; Girate atrophy of the retina; OAT DEFICIENCY. Identifiers: Orphanet 414, MedGen C0018425, MONDO:0009796, OMIM 258870.

Allele frequency attached by ClinVar (database versions not stated): ExAC 0.00001; TOPMed 0.00001; gnomAD 0.00002; gnomAD exomes 0.00005.
gnomAD v4.1: 74 of 1,610,226 alleles (0.0046%); highest among the groups gnomAD compares: Non-Finnish European, 0.0061%; no homozygotes.

Submissions (2):

Labcorp Genetics (formerly Invitae), Labcorp
Classification: Uncertain significance for Ornithine aminotransferase deficiency. Last evaluated: 2022-07-19. Review status: criteria provided, single submitter. Criteria: Invitae Variant Classification Sherloc (09022015). Collection method: clinical testing. Allele origin: germline.
Comment: This sequence change replaces phenylalanine, which is neutral and non-polar, with serine, which is neutral and polar, at codon 172 of the OAT protein (p.Phe172Ser). This variant is present in population databases (rs746023526, gnomAD 0.002%). This variant has not been reported in the literature in individuals affected with OAT-related conditions. Algorithms developed to predict the effect of missense changes on protein structure and function are either unavailable or do not agree on the potential impact of this missense change (SIFT: "Tolerated"; PolyPhen-2: "Probably Damaging"; Align-GVGD: "Class C0"). In summary, the available evidence is currently insufficient to determine the role of this variant in disease. Therefore, it has been classified as a Variant of Uncertain Significance.

Blueprint Genetics
Classification: Uncertain significance. Last evaluated: 2021-11-25. Review status: criteria provided, single submitter. Criteria: ACMG Guidelines, 2015. Collection method: clinical testing. Allele origin: germline.

NM_000274.4(OAT):c.515T>C (p.Phe172Ser)

Gene: OAT (ornithine aminotransferase; minus strand). Cytogenetic location: 10q26.13.
Variant type: single nucleotide variant.
Coding change: c.515T>C on transcript NM_000274.4 (MANE Select); coding-DNA position 515, T replaced by C.
Protein change: p.Phe172Ser; replaces phenylalanine 172 with serine.
Molecular consequence: missense variant. On other transcripts: 5 prime UTR variant (1), intron variant (1).
Genome position (GRCh38, 1-based): chr10:124,408,547, A>G on the plus strand (T>C on the coding strand, the complement: OAT is on the minus strand). VCF-style: chr10-124408547-A-G. GRCh37 (hg19) VCF-style: chr10-126097116-A-G.
Other names: c.101T>C, p.Phe34Ser (NM_001171814.2); c.515T>C, p.Phe172Ser (NM_001322965.2, NM_001322966.2, NM_001322967.2 and 3 more transcripts); c.-200T>C (NM_001322974.2); c.200-2984T>C (NM_001322971.2); short protein forms F172S, F34S.
Identifiers: ClinVar variation 2196663 (VCV002196663.2), dbSNP rs746023526, ClinGen allele CA5733519.